The following is an entry in ClinVar:

NM_006258.4(PRKG1):c.1076+125A>C

Gene: PRKG1 (protein kinase cGMP-dependent 1; plus strand). Cytogenetic location: 10q21.1.
Variant type: single nucleotide variant.
Coding change: c.1076+125A>C on transcript NM_006258.4 (MANE Select); 125 bases into the intron after coding-DNA position 1076, A replaced by C.
Molecular consequence: intron variant.
Genome position (GRCh38, 1-based): chr10:52,162,088, A>C. VCF-style: chr10-52162088-A-C. GRCh37 (hg19) VCF-style: chr10-53921848-A-C.
Other names: c.1031+125A>C (NM_001098512.3).
Identifiers: ClinVar variation 679070 (VCV000679070.1), dbSNP rs7897308, ClinGen allele CA13320785.

ClinVar aggregate classification (germline): Benign (1 of 4 stars; one submission).

Allele frequency attached by ClinVar (database versions not stated): 1000 Genomes Project 30x 0.03810; gnomAD 0.03029 and 0.03249; 1000 Genomes Project 0.03534; TOPMed 0.03543.
gnomAD v4.1: 6,529 of 785,006 alleles (0.83%); highest among the groups gnomAD compares: African/African-American, 10%; 310 homozygotes.

Submission:

GeneDx
Classification: Benign. Last evaluated: 2018-06-14. Review status: criteria provided, single submitter. Criteria: GeneDx Variant Classification (06012015). Collection method: clinical testing. Allele origin: germline. Affected: yes.
Comment: This variant is considered likely benign or benign based on one or more of the following criteria: it is a conservative change, it occurs at a poorly conserved position in the protein, it is predicted to be benign by multiple in silico algorithms, and/or has population frequency not consistent with disease.